The following is an entry in ClinVar:

NM_003900.5(SQSTM1):c.265T>C (p.Tyr89His)

Gene: SQSTM1 (sequestosome 1; plus strand). Cytogenetic location: 5q35.3.
Variant type: single nucleotide variant.
Coding change: c.265T>C on transcript NM_003900.5 (MANE Select); coding-DNA position 265, T replaced by C.
Protein change: p.Tyr89His; replaces tyrosine 89 with histidine.
Molecular consequence: missense variant.
Genome position (GRCh38, 1-based): chr5:179,823,017, T>C. VCF-style: chr5-179823017-T-C. GRCh37 (hg19) VCF-style: chr5-179250017-T-C.
Other names: c.13T>C, p.Tyr5His (NM_001142298.2, NM_001142299.2); short protein forms Y5H, Y89H.
Identifiers: ClinVar variation 1393396 (VCV001393396.6), dbSNP rs766411872, ClinGen allele CA3600431.

ClinVar aggregate classification (germline): Uncertain significance (1 of 4 stars; one submission).

Conditions:
Frontotemporal dementia and/or amyotrophic lateral sclerosis 1 (FTDALS1). Also called: C9orf72 Frontotemporal Dementia and/or Amyotrophic Lateral Sclerosis; Frontotemporal dementia with motor neuron disease 1. Identifiers: Orphanet 275872, MedGen C5779877, MONDO:0007105, OMIM 105550.
Paget disease of bone 2, early-onset (PDB2). Also called: Paget disease of bone 2. Identifiers: MedGen C4085251, MONDO:0011183, OMIM 602080.

Allele frequency attached by ClinVar (database versions not stated): ExAC 0.00001; gnomAD 0.00001; gnomAD exomes 0.00001; TOPMed 0.00004.

Submission:

Labcorp Genetics (formerly Invitae), Labcorp
Classification: Uncertain significance for Paget disease of bone 2, early-onset; Frontotemporal dementia and/or amyotrophic lateral sclerosis 1. Last evaluated: 2025-02-20. Review status: criteria provided, single submitter. Criteria: Invitae Variant Classification Sherloc (09022015). Collection method: clinical testing. Allele origin: germline.
Comment: This sequence change replaces tyrosine, which is neutral and polar, with histidine, which is basic and polar, at codon 89 of the SQSTM1 protein (p.Tyr89His). This variant is present in population databases (rs766411872, gnomAD 0.009%). This variant has not been reported in the literature in individuals affected with SQSTM1-related conditions. ClinVar contains an entry for this variant (Variation ID: 1393396). Invitae Evidence Modeling of protein sequence and biophysical properties (such as structural, functional, and spatial information, amino acid conservation, physicochemical variation, residue mobility, and thermodynamic stability) indicates that this missense variant is not expected to disrupt SQSTM1 protein function with a negative predictive value of 80%. In summary, the available evidence is currently insufficient to determine the role of this variant in disease. Therefore, it has been classified as a Variant of Uncertain Significance.